The following is an entry in ClinVar:

NM_015450.3(POT1):c.173C>T (p.Thr58Ile)

Gene: POT1 (protection of telomeres 1; minus strand). Cytogenetic location: 7q31.33.
Variant type: single nucleotide variant.
Coding change: c.173C>T on transcript NM_015450.3 (MANE Select); coding-DNA position 173, C replaced by T.
Protein change: p.Thr58Ile; replaces threonine 58 with isoleucine.
Molecular consequence: missense variant. On other transcripts: non-coding transcript variant (3), intron variant (1).
Genome position (GRCh38, 1-based): chr7:124,870,993, G>A on the plus strand (C>T on the coding strand, the complement: POT1 is on the minus strand). VCF-style: chr7-124870993-G-A. GRCh37 (hg19) VCF-style: chr7-124511047-G-A.
Other names: c.-138-7353C>T (NM_001042594.2); short protein forms T58I.
Identifiers: ClinVar variation 1035757 (VCV001035757.9), dbSNP rs1795854315, ClinGen allele CA369061568.

ClinVar aggregate classification (germline): Uncertain significance (1 of 4 stars; one submission).

Conditions:
Tumor predisposition syndrome 3 (TPDS3). Also called: Melanoma, cutaneous malignant, susceptibility to, 10; Glioma susceptibility 9; LONG TELOMERE SYNDROME, POT1-RELATED; POT1 Tumor Predisposition. Identifiers: Orphanet 618, MedGen C4014476, MONDO:0014368, OMIM 615848.

Submission:

Labcorp Genetics (formerly Invitae), Labcorp
Classification: Uncertain significance for Tumor predisposition syndrome 3. Last evaluated: 2022-12-24. Review status: criteria provided, single submitter. Criteria: Invitae Variant Classification Sherloc (09022015). Collection method: clinical testing. Allele origin: germline.
Comment: ClinVar contains an entry for this variant (Variation ID: 1035757). In summary, the available evidence is currently insufficient to determine the role of this variant in disease. Therefore, it has been classified as a Variant of Uncertain Significance. Advanced modeling of protein sequence and biophysical properties (such as structural, functional, and spatial information, amino acid conservation, physicochemical variation, residue mobility, and thermodynamic stability) performed at Invitae indicates that this missense variant is not expected to disrupt POT1 protein function. This variant has not been reported in the literature in individuals affected with POT1-related conditions. This variant is not present in population databases (gnomAD no frequency). This sequence change replaces threonine, which is neutral and polar, with isoleucine, which is neutral and non-polar, at codon 58 of the POT1 protein (p.Thr58Ile).